The following is an entry in ClinVar:

NM_000170.3(GLDC):c.171G>A (p.Leu57=)

Gene: GLDC (glycine decarboxylase; minus strand). Cytogenetic location: 9p24.1.
Variant type: single nucleotide variant.
Coding change: c.171G>A on transcript NM_000170.3 (MANE Select); coding-DNA position 171, G replaced by A.
Protein change: p.Leu57=; no amino-acid change (leucine 57 retained).
Molecular consequence: synonymous variant.
Genome position (GRCh38, 1-based): chr9:6,645,329, C>T on the plus strand (G>A on the coding strand, the complement: GLDC is on the minus strand). VCF-style: chr9-6645329-C-T. GRCh37 (hg19) VCF-style: chr9-6645329-C-T.
Identifiers: ClinVar variation 5040378 (VCV005040378.1).

ClinVar aggregate classification (germline): Likely benign (1 of 4 stars; one submission).

Submission:

CeGaT Center for Human Genetics Tuebingen
Classification: Likely benign. Last evaluated: 2026-07-01. Review status: criteria provided, single submitter. Criteria: CeGaT Center For Human Genetics Tuebingen Variant Classification Criteria Version 2. Collection method: clinical testing. Allele origin: germline. Affected: yes. Observed: 1 variant allele.
Comment: GLDC: BP4, BP7